The following is an entry in ClinVar:

NM_001126108.2(SLC12A3):c.2544T>G (p.Tyr848Ter)

Gene: SLC12A3 (solute carrier family 12 member 3; plus strand). Cytogenetic location: 16q13.
Variant type: single nucleotide variant.
Coding change: c.2544T>G on transcript NM_001126108.2 (MANE Select); coding-DNA position 2544, T replaced by G.
Protein change: p.Tyr848Ter; replaces tyrosine 848 with a stop codon.
Molecular consequence: nonsense.
Genome position (GRCh38, 1-based): chr16:56,894,553, T>G. VCF-style: chr16-56894553-T-G. GRCh37 (hg19) VCF-style: chr16-56928465-T-G.
Other names: c.2571T>G, p.Tyr857Ter (NM_000339.3); c.2568T>G, p.Tyr856Ter (NM_001126107.2); short protein forms Y848*, Y856*, Y857*.
Identifiers: ClinVar variation 1076125 (VCV001076125.7), dbSNP rs2055435915, ClinGen allele CA395997314.
Genomic context (GRCh38, chr16:56,894,553, plus strand): 5'-GTATTCTTGTCATGACTCACGGGGACTCTCCTTGCCAGGCCTCACCCTCCTCATTCCCTA[T>G]CTCCTTGGCCGCAAGAGGAGGTGGAGCAAATGCAAGATCCGTGTGTTCGTAGGCGGCCAG-3'

ClinVar aggregate classification (germline): Pathogenic (1 of 4 stars; one submission).

Submission:

Labcorp Genetics (formerly Invitae), Labcorp
Classification: Pathogenic. Last evaluated: 2023-11-28. Review status: criteria provided, single submitter. Criteria: Invitae Variant Classification Sherloc (09022015). Collection method: clinical testing. Allele origin: germline.
Comment: This sequence change creates a premature translational stop signal (p.Tyr857*) in the SLC12A3 gene. It is expected to result in an absent or disrupted protein product. Loss-of-function variants in SLC12A3 are known to be pathogenic (PMID: 20848653, 22009145, 25841442). This variant is not present in population databases (gnomAD no frequency). This variant has not been reported in the literature in individuals affected with SLC12A3-related conditions. ClinVar contains an entry for this variant (Variation ID: 1076125). Algorithms developed to predict the effect of sequence changes on RNA splicing suggest that this variant may disrupt the consensus splice site. For these reasons, this variant has been classified as Pathogenic.

Literature cited by the submitters: PubMed 20848653; PubMed 22009145; PubMed 25841442.